The following is an entry in ClinVar:

NM_172364.5(CACNA2D4):c.1563G>C (p.Thr521=)

Gene: CACNA2D4 (calcium voltage-gated channel auxiliary subunit alpha2delta 4; minus strand). Cytogenetic location: 12p13.33.
Variant type: single nucleotide variant.
Coding change: c.1563G>C on transcript NM_172364.5 (MANE Select); coding-DNA position 1563, G replaced by C.
Protein change: p.Thr521=; no amino-acid change (threonine 521 retained).
Molecular consequence: synonymous variant.
Genome position (GRCh38, 1-based): chr12:1,879,804, C>G on the plus strand (G>C on the coding strand, the complement: CACNA2D4 is on the minus strand). VCF-style: chr12-1879804-C-G. GRCh37 (hg19) VCF-style: chr12-1988970-C-G.
Identifiers: ClinVar variation 1013930 (VCV001013930.8), dbSNP rs11062013, ClinGen allele CA477864507.

ClinVar aggregate classification (germline): Uncertain significance (1 of 4 stars; one submission).

Submission:

Labcorp Genetics (formerly Invitae), Labcorp
Classification: Uncertain significance. Last evaluated: 2023-11-24. Review status: criteria provided, single submitter. Criteria: Invitae Variant Classification Sherloc (09022015). Collection method: clinical testing. Allele origin: germline.
Comment: This sequence change affects codon 521 of the CACNA2D4 mRNA. It is a 'silent' change, meaning that it does not change the encoded amino acid sequence of the CACNA2D4 protein. This variant also falls at the last nucleotide of exon 14, which is part of the consensus splice site for this exon. This variant is not present in population databases (gnomAD no frequency). This variant has not been reported in the literature in individuals affected with CACNA2D4-related conditions. ClinVar contains an entry for this variant (Variation ID: 1013930). Variants that disrupt the consensus splice site are a relatively common cause of aberrant splicing (PMID: 17576681, 9536098). Algorithms developed to predict the effect of sequence changes on RNA splicing suggest that this variant is not likely to affect RNA splicing. In summary, the available evidence is currently insufficient to determine the role of this variant in disease. Therefore, it has been classified as a Variant of Uncertain Significance.

Literature cited by the submitters: PubMed 17576681; PubMed 9536098.